The following is an entry in ClinVar:

NM_183381.3(RNF13):c.41A>G (p.Gln14Arg)

Gene: RNF13 (ring finger protein 13; plus strand). Cytogenetic location: 3q25.1.
Variant type: single nucleotide variant.
Coding change: c.41A>G on transcript NM_183381.3 (MANE Select); coding-DNA position 41, A replaced by G.
Protein change: p.Gln14Arg; replaces glutamine 14 with arginine.
Molecular consequence: missense variant. On other transcripts: 5 prime UTR variant (4), non-coding transcript variant (1), intron variant (2).
Genome position (GRCh38, 1-based): chr3:149,846,067, A>G. VCF-style: chr3-149846067-A-G. GRCh37 (hg19) VCF-style: chr3-149563854-A-G.
Other names: c.41A>G, p.Gln14Arg (NM_001378285.1, NM_001378286.1, NM_007282.4); c.-327A>G (NM_001378287.1, NM_001378288.1, NM_001378289.1 and 1 more transcripts); c.-253-6449A>G (NM_183383.2); c.-279-6449A>G (NM_001378291.1); short protein forms Q14R.
Identifiers: ClinVar variation 2881554 (VCV002881554.3), dbSNP rs745692701, ClinGen allele CA2662876.

ClinVar aggregate classification (germline): Uncertain significance (1 of 4 stars; one submission).

Allele frequency attached by ClinVar (database versions not stated): gnomAD exomes below 0.00001; ExAC 0.00001.
gnomAD v4.1: 2 of 1,612,608 alleles (0.00012%); highest among the groups gnomAD compares: Admixed American, 0.0033%; no homozygotes.

Submission:

Labcorp Genetics (formerly Invitae), Labcorp
Classification: Uncertain significance. Last evaluated: 2023-11-24. Review status: criteria provided, single submitter. Criteria: Invitae Variant Classification Sherloc (09022015). Collection method: clinical testing. Allele origin: germline.
Comment: This sequence change replaces glutamine, which is neutral and polar, with arginine, which is basic and polar, at codon 14 of the RNF13 protein (p.Gln14Arg). This variant is present in population databases (rs745692701, gnomAD 0.003%). This variant has not been reported in the literature in individuals affected with RNF13-related conditions. An algorithm developed to predict the effect of missense changes on protein structure and function (PolyPhen-2) suggests that this variant is likely to be tolerated. In summary, the available evidence is currently insufficient to determine the role of this variant in disease. Therefore, it has been classified as a Variant of Uncertain Significance.